The following is an entry in ClinVar:

NM_001845.6(COL4A1):c.4184C>T (p.Pro1395Leu)

Gene: COL4A1 (collagen type IV alpha 1 chain; minus strand). Cytogenetic location: 13q34.
Variant type: single nucleotide variant.
Coding change: c.4184C>T on transcript NM_001845.6 (MANE Select); coding-DNA position 4184, C replaced by T.
Protein change: p.Pro1395Leu; replaces proline 1395 with leucine.
Molecular consequence: missense variant.
Genome position (GRCh38, 1-based): chr13:110,163,528, G>A on the plus strand (C>T on the coding strand, the complement: COL4A1 is on the minus strand). VCF-style: chr13-110163528-G-A. GRCh37 (hg19) VCF-style: chr13-110815875-G-A.
Other names: short protein forms P1395L.
Identifiers: ClinVar variation 3371252 (VCV003371252.1).
Genomic context (GRCh38, chr13:110,163,528, plus strand): 5'-GGCCCGGCAGGTCCCATCTCTCCTTTCTGGCCAGGGGCACCGTCAAACCCAGGAATACCT[G>A]GAGGTCCAGGTATACCCACCAATCCTGTAACACCTGAGGCAGAGGAAAAATAATTTATGA-3'
Protein context (NP_001836.3, residues 1385-1405): VTGLVGIPGP[Pro1395Leu]GIPGFDGAPG

ClinVar aggregate classification (germline): Uncertain significance (1 of 4 stars; one submission).

Submission:

GeneDx
Classification: Uncertain significance. Last evaluated: 2024-03-20. Review status: criteria provided, single submitter. Criteria: GeneDx Variant Classification Process June 2021. Collection method: clinical testing. Allele origin: germline. Affected: yes.
Comment: Not observed at significant frequency in large population cohorts (gnomAD); In silico analysis supports that this missense variant has a deleterious effect on protein structure/function; Has not been previously published as pathogenic or benign to our knowledge